The following is an entry in ClinVar:

NM_012079.6(DGAT1):c.1187G>A (p.Arg396Gln)

Gene: DGAT1 (diacylglycerol O-acyltransferase 1; minus strand). Cytogenetic location: 8q24.3.
Variant type: single nucleotide variant.
Coding change: c.1187G>A on transcript NM_012079.6 (MANE Select); coding-DNA position 1187, G replaced by A.
Protein change: p.Arg396Gln; replaces arginine 396 with glutamine.
Molecular consequence: missense variant.
Genome position (GRCh38, 1-based): chr8:144,317,083, C>T on the plus strand (G>A on the coding strand, the complement: DGAT1 is on the minus strand). VCF-style: chr8-144317083-C-T. GRCh37 (hg19) VCF-style: chr8-145540746-C-T.
Other names: short protein forms R396Q.
Identifiers: ClinVar variation 1400144 (VCV001400144.7), dbSNP rs193169779, ClinGen allele CA4936630.

ClinVar aggregate classification (germline): Uncertain significance. Review status: criteria provided, multiple submitters, no conflicts (2 of 4 stars). 2 submissions from 2 submitters: Uncertain significance (2). Last evaluated 2022-10-13.

Conditions:
Congenital diarrhea 7 with exudative enteropathy. Also called: Diarrhea 7. Identifiers: Orphanet 329242, MedGen C4014516, MONDO:0014375, OMIM 615863.

Allele frequency attached by ClinVar (database versions not stated): gnomAD 0.00004 and 0.00007; ExAC 0.00007; TOPMed 0.00011; ESP Exome Variant Server 0.00015; 1000 Genomes Project 0.00020; 1000 Genomes Project 30x 0.00031.
gnomAD v4.1: 62 of 1,612,948 alleles (0.0038%); highest among the groups gnomAD compares: Middle Eastern, 0.049%; no homozygotes.

Submissions (2):

Labcorp Genetics (formerly Invitae), Labcorp
Classification: Uncertain significance. Last evaluated: 2022-10-13. Review status: criteria provided, single submitter. Criteria: Invitae Variant Classification Sherloc (09022015). Collection method: clinical testing. Allele origin: germline.
Comment: This sequence change replaces arginine, which is basic and polar, with glutamine, which is neutral and polar, at codon 396 of the DGAT1 protein (p.Arg396Gln). This variant is present in population databases (rs193169779, gnomAD 0.007%). This variant has not been reported in the literature in individuals affected with DGAT1-related conditions. ClinVar contains an entry for this variant (Variation ID: 1400144). Advanced modeling of protein sequence and biophysical properties (such as structural, functional, and spatial information, amino acid conservation, physicochemical variation, residue mobility, and thermodynamic stability) performed at Invitae indicates that this missense variant is not expected to disrupt DGAT1 protein function. Algorithms developed to predict the effect of sequence changes on RNA splicing suggest that this variant may create or strengthen a splice site. In summary, the available evidence is currently insufficient to determine the role of this variant in disease. Therefore, it has been classified as a Variant of Uncertain Significance.

Revvity Omics, Revvity
Classification: Uncertain significance for Congenital diarrhea 7 with exudative enteropathy. Last evaluated: 2022-03-07. Review status: criteria provided, single submitter. Criteria: ACMG Guidelines, 2015. Collection method: clinical testing. Allele origin: germline.